The following is an entry in ClinVar:

NM_004092.4(ECHS1):c.808-17G>A

Gene: ECHS1 (enoyl-CoA hydratase, short chain 1; minus strand). Cytogenetic location: 10q26.3.
Variant type: single nucleotide variant.
Coding change: c.808-17G>A on transcript NM_004092.4 (MANE Select); 17 bases into the intron before coding-DNA position 808, G replaced by A.
Molecular consequence: intron variant.
Genome position (GRCh38, 1-based): chr10:133,362,950, C>T on the plus strand (G>A on the coding strand, the complement: ECHS1 is on the minus strand). VCF-style: chr10-133362950-C-T. GRCh37 (hg19) VCF-style: chr10-135176454-C-T.
Identifiers: ClinVar variation 380090 (VCV000380090.13), dbSNP rs114654147, ClinGen allele CA5765629.
Genomic context (GRCh38, chr10:133,362,950, plus strand): 5'-TTTCTCTTTTCCACAAACGCGGTCATCCCTTCTTTCCGGTCATCCTGGCAGGAAAAGGAA[C>T]AGAAACAGAGCTGGACGCGCAGTATCCTCACAGAGCCTGATGCCAATGTCCGCCCGTCTC-3'

ClinVar aggregate classification (germline): Benign/Likely benign. Review status: criteria provided, multiple submitters, no conflicts (2 of 4 stars). 5 submissions from 5 submitters: Benign (2); Likely benign (3). Last evaluated 2026-01-28.

Conditions:
Mitochondrial short-chain Enoyl-Coa hydratase 1 deficiency. Also called: PxMD-ECHS1; Mitochondrial Short-Chain Enoyl-CoA Hydratase Deficiency; ECHS1 deficiency. Identifiers: Orphanet 255241, Orphanet 653880, MedGen C4225391, MONDO:0014563, OMIM 616277.

Allele frequency attached by ClinVar (database versions not stated): 1000 Genomes Project 0.00559; ESP Exome Variant Server 0.00654; gnomAD exomes 0.00047 and 0.00131; ExAC 0.00168; gnomAD 0.00473 and 0.00506; TOPMed 0.00534; 1000 Genomes Project 30x 0.00547.

Submissions (5):

Labcorp Genetics (formerly Invitae), Labcorp
Classification: Benign. Last evaluated: 2026-01-28. Review status: criteria provided, single submitter. Criteria: Invitae Variant Classification Sherloc (09022015). Collection method: clinical testing. Allele origin: germline.

Blueprint Genetics
Classification: Likely benign. Last evaluated: 2024-11-01. Review status: criteria provided, single submitter. Criteria: ACMG Guidelines, 2015. Collection method: clinical testing. Allele origin: germline.

ARUP Laboratories, Molecular Genetics and Genomics, ARUP Laboratories
Classification: Benign for Mitochondrial short-chain Enoyl-Coa hydratase 1 deficiency. Last evaluated: 2022-03-08. Review status: criteria provided, single submitter. Criteria: ARUP Molecular Germline Variant Investigation Process 2021. Collection method: clinical testing. Allele origin: germline.

GeneDx
Classification: Likely benign. Last evaluated: 2017-08-30. Review status: criteria provided, single submitter. Criteria: GeneDx Variant Classification (06012015). Collection method: clinical testing. Allele origin: germline. Affected: yes.
Comment: This variant is considered likely benign or benign based on one or more of the following criteria: it is a conservative change, it occurs at a poorly conserved position in the protein, it is predicted to be benign by multiple in silico algorithms, and/or has population frequency not consistent with disease.

Breakthrough Genomics
Classification: Likely benign. Review status: criteria provided, single submitter. Criteria: ACMG Guidelines, 2015. Collection method: not provided. Allele origin: germline. Inheritance: Autosomal recessive inheritance. Affected: yes.